The following is an entry in ClinVar:

ClinVar aggregate classification (germline): Uncertain significance. Review status: criteria provided, multiple submitters, no conflicts (2 of 4 stars). 3 submissions from 3 submitters: Uncertain significance (3). Last evaluated 2024-10-14.

Conditions:
Nemaline myopathy 2 (NEM2). Also called: Nemaline myopathy 2, autosomal recessive. Identifiers: MedGen C1850569, MONDO:0009725, OMIM 256030.

Allele frequency attached by ClinVar (database versions not stated): TOPMed 0.00001.
gnomAD v4.1: 15 of 1,613,918 alleles (0.00093%); highest among the groups gnomAD compares: South Asian, 0.0044%; no homozygotes.

Submissions (3):

Blueprint Genetics
Classification: Uncertain significance. Last evaluated: 2024-10-14. Review status: criteria provided, single submitter. Criteria: ACMG Guidelines, 2015. Collection method: clinical testing. Allele origin: germline.

Labcorp Genetics (formerly Invitae), Labcorp
Classification: Uncertain significance for Nemaline myopathy 2. Last evaluated: 2022-03-26. Review status: criteria provided, single submitter. Criteria: Invitae Variant Classification Sherloc (09022015). Collection method: clinical testing. Allele origin: germline.
Comment: This sequence change replaces glycine, which is neutral and non-polar, with valine, which is neutral and non-polar, at codon 1489 of the NEB protein (p.Gly1489Val). This variant is not present in population databases (gnomAD no frequency). This variant has not been reported in the literature in individuals affected with NEB-related conditions. ClinVar contains an entry for this variant (Variation ID: 638412). Algorithms developed to predict the effect of missense changes on protein structure and function are either unavailable or do not agree on the potential impact of this missense change (SIFT: "Deleterious"; PolyPhen-2: "Not Available"; Align-GVGD: "Class C0"). In summary, the available evidence is currently insufficient to determine the role of this variant in disease. Therefore, it has been classified as a Variant of Uncertain Significance.

Genomic Research Center, Shahid Beheshti University of Medical Sciences
Classification: Uncertain significance. Last evaluated: 2019-04-27. Review status: criteria provided, single submitter. Criteria: ACMG Guidelines, 2015. Collection method: clinical testing. Allele origin: unknown. Affected: no.

NM_001164508.2(NEB):c.4466G>T (p.Gly1489Val)

Gene: NEB (nebulin; minus strand). Cytogenetic location: 2q23.3.
Variant type: single nucleotide variant.
Coding change: c.4466G>T on transcript NM_001164508.2 (MANE Select); coding-DNA position 4466, G replaced by T.
Protein change: p.Gly1489Val; replaces glycine 1489 with valine.
Molecular consequence: missense variant.
Genome position (GRCh38, 1-based): chr2:151,671,063, C>A on the plus strand (G>T on the coding strand, the complement: NEB is on the minus strand). VCF-style: chr2-151671063-C-A. GRCh37 (hg19) VCF-style: chr2-152527577-C-A.
Other names: c.4466G>T, p.Gly1489Val (NM_001164507.2, NM_001271208.2, NM_004543.5); short protein forms G1489V.
Identifiers: ClinVar variation 638412 (VCV000638412.6), dbSNP rs74482326, ClinGen allele CA57649953.